The following is an entry in ClinVar:

ClinVar aggregate classification (germline): Benign/Likely benign. Review status: criteria provided, multiple submitters, no conflicts (2 of 4 stars). 9 submissions from 9 submitters: Benign (6); Likely benign (3). Last evaluated 2026-02-02.

Conditions:
Thyroid dyshormonogenesis 6 (TDH6). Also called: Genetic transient congenital hypothyroidism; THYROID HORMONOGENESIS, GENETIC DEFECT IN, 6; HYPOTHYROIDISM, CONGENITAL, DUE TO DYSHORMONOGENESIS, 6. Identifiers: Orphanet 226316, Orphanet 95716, MedGen C1846632, MONDO:0011792, OMIM 607200.

Allele frequency attached by ClinVar (database versions not stated): gnomAD exomes 0.00285; ESP Exome Variant Server 0.00361; ExAC 0.00620; 1000 Genomes Project 0.01438.

Submissions (9):

Labcorp Genetics (formerly Invitae), Labcorp
Classification: Benign. Last evaluated: 2026-02-02. Review status: criteria provided, single submitter. Criteria: Invitae Variant Classification Sherloc (09022015). Collection method: clinical testing. Allele origin: germline.

Women's Health and Genetics/Laboratory Corporation of America, LabCorp
Classification: Benign. Last evaluated: 2025-09-05. Review status: criteria provided, single submitter. Criteria: LabCorp Variant Classification Summary - May 2015. Collection method: clinical testing. Allele origin: germline.
Comment: Variant summary: DUOXA2 c.-2837A>G is located in the untranscribed region upstream of the DUOXA2 gene region. The variant allele was found at a frequency of 0.0029 in 217546 control chromosomes, predominantly at a frequency of 0.034 within the African or African-American subpopulation in the gnomAD database, including 5 homozygotes. The observed variant frequency within African or African-American control individuals in the gnomAD database exceeds the estimated maximal expected allele frequency for disease-causing variants in DUOXA2. To our knowledge, no occurrence of c.-2837A>G in individuals affected with DUOXA2-related conditions and no experimental evidence demonstrating its impact on protein function have been reported. ClinVar contains an entry for this variant (Variation ID: 377229). Based on the evidence outlined above, the variant was classified as benign.

Blueprint Genetics
Classification: Likely benign. Last evaluated: 2024-11-26. Review status: criteria provided, single submitter. Criteria: ACMG Guidelines, 2015. Collection method: clinical testing. Allele origin: germline.

Mayo Clinic Laboratories, Mayo Clinic
Classification: Benign. Last evaluated: 2024-07-02. Review status: criteria provided, single submitter. Criteria: ACMG Guidelines, 2015. Collection method: clinical testing. Allele origin: germline. Observed: 2 variant alleles.
Comment: BS1, BS2, BP4

CeGaT Center for Human Genetics Tuebingen
Classification: Benign. Last evaluated: 2022-12-01. Review status: criteria provided, single submitter. Criteria: CeGaT Center For Human Genetics Tuebingen Variant Classification Criteria Version 2. Collection method: clinical testing. Allele origin: germline. Affected: yes. Observed: 1 variant allele.
Comment: DUOX2: BP4, BS1, BS2

GeneDx
Classification: Likely benign. Last evaluated: 2018-07-09. Review status: criteria provided, single submitter. Criteria: GeneDx Variant Classification Process June 2021. Collection method: clinical testing. Allele origin: germline. Affected: yes.

Illumina Laboratory Services, Illumina
Classification: Benign for Thyroid dyshormonogenesis 6. Last evaluated: 2017-04-28. Review status: criteria provided, single submitter. Criteria: ICSL Variant Classification Criteria 13 December 2019. Collection method: clinical testing. Allele origin: germline.
Comment: This variant was observed as part of a predisposition screen in an ostensibly healthy population. A literature search was performed for the gene, cDNA change, and amino acid change (where applicable). Publications were found based on this search. The evidence from the literature, in combination with allele frequency data from public databases where available, was sufficient to rule this variant out of causing disease. Therefore, this variant is classified as benign.

Center for Pediatric Genomic Medicine, Children's Mercy Hospital and Clinics
Classification: Benign. Last evaluated: 2017-01-20. Review status: criteria provided, single submitter. Criteria: ACMG Guidelines, 2015. Collection method: clinical testing. Allele origin: germline.

Breakthrough Genomics
Classification: Likely benign. Review status: criteria provided, single submitter. Criteria: ACMG Guidelines, 2015. Collection method: not provided. Allele origin: germline. Inheritance: Autosomal recessive inheritance. Affected: yes.

Literature cited by the submitters: PubMed 24423310 (cited by Illumina Laboratory Services, Illumina).

NM_001363711.2(DUOX2):c.512T>C (p.Leu171Pro)

Genes: DUOX2 (dual oxidase 2; minus strand), DUOXA2 (dual oxidase maturation factor 2; plus strand). Cytogenetic location: 15q21.1.
Variant type: single nucleotide variant.
Coding change: c.512T>C on transcript NM_001363711.2 (MANE Select); coding-DNA position 512, T replaced by C.
Protein change: p.Leu171Pro; replaces leucine 171 with proline.
Molecular consequence: missense variant.
Genome position (GRCh38, 1-based): chr15:45,111,769, A>G on the plus strand (T>C on the coding strand, the complement: DUOX2 is on the minus strand). VCF-style: chr15-45111769-A-G. GRCh37 (hg19) VCF-style: chr15-45403967-A-G.
Other names: p.Leu171Pro; c.512T>C, p.Leu171Pro (NM_014080.5); c.-2837A>G (NM_207581.4); short protein forms L171P.
Identifiers: ClinVar variation 377229 (VCV000377229.44), dbSNP rs199957468, ClinGen allele CA7538937.